The following is an entry in ClinVar:

NM_003051.4(SLC16A1):c.362-21A>C

Gene: SLC16A1 (solute carrier family 16 member 1; minus strand). Cytogenetic location: 1p13.2.
Variant type: single nucleotide variant.
Coding change: c.362-21A>C on transcript NM_003051.4 (MANE Select); 21 bases into the intron before coding-DNA position 362, A replaced by C.
Molecular consequence: intron variant.
Genome position (GRCh38, 1-based): chr1:112,918,065, T>G on the plus strand (A>C on the coding strand, the complement: SLC16A1 is on the minus strand). VCF-style: chr1-112918065-T-G. GRCh37 (hg19) VCF-style: chr1-113460687-T-G.
Other names: NC_000001.10:g.113460687T>G; p.?; c.362-21A>C (NM_001166496.2).
Identifiers: ClinVar variation 1332975 (VCV001332975.7), dbSNP rs201021807, ClinGen allele CA1011441.

ClinVar aggregate classification (germline): Benign. Review status: criteria provided, multiple submitters, no conflicts (2 of 4 stars). 6 submissions from 4 submitters: Benign (5). 1 of the submissions does not count toward it. Last evaluated 2022-03-10.

Conditions:
SLC16A1-related disorder. Also called: SLC16A1-related disorders; SLC16A1-related condition.
Metabolic myopathy due to lactate transporter defect. Also called: LACTATE TRANSPORTER DEFECT, MYOPATHY DUE TO. Identifiers: Orphanet 171690, MedGen C1855577, MONDO:0009501, OMIM 245340.
Exercise-induced hyperinsulinism (HHF7). Identifiers: Orphanet 165991, MedGen C1864902, MONDO:0012396, OMIM 610021.
Ketoacidosis due to monocarboxylate transporter-1 deficiency. Also called: Monocarboxylate transporter 1 deficiency. Identifiers: Orphanet 438075, MedGen C4015186, MONDO:0014490, OMIM 616095.

Allele frequency attached by ClinVar (database versions not stated): ESP Exome Variant Server 0.00024; gnomAD 0.26702 and 0.27385; gnomAD exomes 0.30087 and 0.36721; ExAC 0.53365.
gnomAD v4.1: 253,059 of 850,044 alleles (30%); highest among the groups gnomAD compares: East Asian, 50%; 45,638 homozygotes.

Submissions (12):

Mayo Clinic Laboratories, Mayo Clinic
Classification: Benign. Last evaluated: 2022-03-10. Review status: criteria provided, single submitter. Criteria: ACMG Guidelines, 2015. Collection method: clinical testing. Allele origin: germline. Observed: 8 variant alleles.

Genome-Nilou Lab
Classification: Benign for Metabolic myopathy due to lactate transporter defect. Last evaluated: 2021-07-15. Review status: criteria provided, single submitter. Criteria: ACMG Guidelines, 2015. Collection method: clinical testing. Allele origin: germline. Affected: no.

Genome-Nilou Lab
Classification: Benign for Exercise-induced hyperinsulinism. Last evaluated: 2021-07-15. Review status: criteria provided, single submitter. Criteria: ACMG Guidelines, 2015. Collection method: clinical testing. Allele origin: germline. Affected: no.

Genome-Nilou Lab
Classification: Benign for Ketoacidosis due to monocarboxylate transporter-1 deficiency. Last evaluated: 2021-07-15. Review status: criteria provided, single submitter. Criteria: ACMG Guidelines, 2015. Collection method: clinical testing. Allele origin: germline. Affected: no.

Breakthrough Genomics
Classification: Benign. Review status: criteria provided, single submitter. Criteria: ACMG Guidelines, 2015. Collection method: not provided. Allele origin: germline. Inheritance: Autosomal recessive inheritance. Affected: yes.

PreventionGenetics, part of Exact Sciences
Classification: Benign for SLC16A1-related condition. Last evaluated: 2021-06-18. Review status: no assertion criteria provided. Collection method: clinical testing. Allele origin: germline. Not counted in ClinVar's aggregate classification.
Comment: This variant is classified as benign based on ACMG/AMP sequence variant interpretation guidelines (Richards et al. 2015 PMID: 25741868, with internal and published modifications).

Dr. Peter K. Rogan Lab, Western University
No classification provided (evidence only). Condition: Cholangiocarcinoma. Review status: no classification provided. Collection method: in vitro. Allele origin: not applicable. Functional consequence: retained intron. Not counted in ClinVar's aggregate classification.

Dr. Peter K. Rogan Lab, Western University
No classification provided (evidence only). Condition: Familial cancer of breast. Review status: no classification provided. Collection method: in vitro. Allele origin: not applicable. Functional consequence: retained intron. Not counted in ClinVar's aggregate classification.

Dr. Peter K. Rogan Lab, Western University
No classification provided (evidence only). Condition: Uterine corpus endometrial carcinoma. Review status: no classification provided. Collection method: in vitro. Allele origin: not applicable. Functional consequence: retained intron. Not counted in ClinVar's aggregate classification.

Dr. Peter K. Rogan Lab, Western University
No classification provided (evidence only). Condition: Uterine corpus endometrial carcinoma. Review status: no classification provided. Collection method: in vitro. Allele origin: not applicable. Functional consequence: retained intron. Not counted in ClinVar's aggregate classification.

Dr. Peter K. Rogan Lab, Western University
No classification provided (evidence only). Condition: Malignant lymphoma, large B-cell, diffuse. Review status: no classification provided. Collection method: in vitro. Allele origin: not applicable. Functional consequence: skipped exon, retained intron. Not counted in ClinVar's aggregate classification.

Dr. Peter K. Rogan Lab, Western University
No classification provided (evidence only). Condition: Cholangiocarcinoma. Review status: no classification provided. Collection method: in vitro. Allele origin: not applicable. Functional consequence: retained intron. Not counted in ClinVar's aggregate classification.